The following is an entry in ClinVar:

ClinVar aggregate classification (germline): Conflicting classifications of pathogenicity. Review status: criteria provided, conflicting classifications (1 of 4 stars). 2 submissions from 2 submitters: Uncertain significance (1); Likely benign (1). Last evaluated 2025-06-22.

Conditions:
Centromeric instability of chromosomes 1,9 and 16 and immunodeficiency (ICF1). Also called: Immunodeficiency-centromeric instability-facial anomalies; CENTROMERIC INSTABILITY, IMMUNODEFICIENCY SYNDROME; IMMUNE DEFICIENCY, VARIABLE, WITH CENTROMERIC INSTABILITY OF CHROMOSOMES 1, 9, AND 16; IMMUNODEFICIENCY SYNDROME, VARIABLE. Identifiers: Orphanet 2268, MedGen C0398788, MONDO:0000133.
Inborn genetic diseases. Identifiers: MedGen C0950123, MeSH D030342.

Allele frequency attached by ClinVar (database versions not stated): gnomAD exomes 0.00004; ExAC 0.00007.
gnomAD v4.1: 22 of 1,614,232 alleles (0.0014%); highest among the groups gnomAD compares: Admixed American, 0.037%; no homozygotes.

Submissions (2):

Labcorp Genetics (formerly Invitae), Labcorp
Classification: Uncertain significance for Centromeric instability of chromosomes 1,9 and 16 and immunodeficiency. Last evaluated: 2025-06-22. Review status: criteria provided, single submitter. Criteria: Invitae Variant Classification Sherloc (09022015). Collection method: clinical testing. Allele origin: germline.
Comment: This sequence change replaces glycine, which is neutral and non-polar, with glutamic acid, which is acidic and polar, at codon 198 of the DNMT3B protein (p.Gly198Glu). This variant is present in population databases (rs770040598, gnomAD 0.05%). This variant has not been reported in the literature in individuals affected with DNMT3B-related conditions. ClinVar contains an entry for this variant (Variation ID: 2081505). Invitae Evidence Modeling of protein sequence and biophysical properties (such as structural, functional, and spatial information, amino acid conservation, physicochemical variation, residue mobility, and thermodynamic stability) indicates that this missense variant is not expected to disrupt DNMT3B protein function with a negative predictive value of 95%. In summary, the available evidence is currently insufficient to determine the role of this variant in disease. Therefore, it has been classified as a Variant of Uncertain Significance.

Ambry Genetics
Classification: Likely benign for Inborn genetic diseases. Last evaluated: 2024-11-11. Review status: criteria provided, single submitter. Criteria: Ambry Variant Classification Scheme 2023. Collection method: clinical testing. Allele origin: germline.

NM_006892.4(DNMT3B):c.593G>A (p.Gly198Glu)

Gene: DNMT3B (DNA methyltransferase 3 beta; plus strand). Cytogenetic location: 20q11.21.
Variant type: single nucleotide variant.
Coding change: c.593G>A on transcript NM_006892.4 (MANE Select); coding-DNA position 593, G replaced by A.
Protein change: p.Gly198Glu; replaces glycine 198 with glutamic acid.
Molecular consequence: missense variant.
Genome position (GRCh38, 1-based): chr20:32,787,390, G>A. VCF-style: chr20-32787390-G-A. GRCh37 (hg19) VCF-style: chr20-31375196-G-A.
Other names: c.467G>A, p.Gly156Glu (NM_001207055.2); c.365G>A, p.Gly122Glu (NM_001207056.2); c.593G>A, p.Gly198Glu (NM_175848.2, NM_175849.2); c.629G>A, p.Gly210Glu (NM_175850.3); short protein forms G122E, G156E, G198E, G210E.
Identifiers: ClinVar variation 2081505 (VCV002081505.3), dbSNP rs770040598, ClinGen allele CA9810264.